The following is an entry in ClinVar:

ClinVar aggregate classification (germline): Uncertain significance. Review status: criteria provided, multiple submitters, no conflicts (2 of 4 stars). 9 submissions from 9 submitters: Uncertain significance (9). Last evaluated 2026-08-03.

Conditions:
Primary dilated cardiomyopathy (DCM). Also called: Dilated Cardiomyopathy. Identifiers: Orphanet 217604, MedGen C0007193, MeSH D002311, MONDO:0005021, HP:0001644. Inheritance: Various modes of inheritance.
LMNA-related disorder. Also called: LMNA-related disorders; LMNA-related condition; LMNA-related disease. Identifiers: MedGen CN380145.
Cardiomyopathy (CMYO). Also called: Cardiomyopathies. Identifiers: Orphanet 167848, MedGen C0878544, MONDO:0004994, HP:0001638. Inheritance: Various modes of inheritance.
Cardiovascular phenotype. Identifiers: MedGen CN230736.
Charcot-Marie-Tooth disease type 2. Also called: Charcot-Marie-Tooth type 2. Identifiers: Orphanet 64746, MedGen C0270914, MONDO:0018993.

Allele frequency attached by ClinVar (database versions not stated): gnomAD exomes below 0.00001 and 0.00002; ExAC 0.00001; gnomAD 0.00003 and 0.00004; TOPMed 0.00003.
gnomAD v4.1: 11 of 1,609,710 alleles (0.00068%); highest among the groups gnomAD compares: African/African-American, 0.011%; no homozygotes.

Submissions (9):

Ambry Genetics
Classification: Uncertain significance for Cardiovascular phenotype. Last evaluated: 2026-08-03. Review status: criteria provided, single submitter. Criteria: Ambry Variant Classification Scheme 2023. Collection method: clinical testing. Allele origin: germline.
Comment: The c.1556C>T (p.T519I) alteration is located in exon 9 (coding exon 9) of the LMNA gene. This alteration results from a C to T substitution at nucleotide position 1556, causing the threonine (T) at amino acid position 519 to be replaced by an isoleucine (I). Based on data from gnomAD, the T allele has an overall frequency of 0.002% (6/270480) total alleles studied. The highest observed frequency was 0.021% (5/24190) of African alleles. Based on insufficient or conflicting evidence, the clinical significance of this alteration remains unclear.

PreventionGenetics, part of Exact Sciences
Classification: Uncertain significance for LMNA-related condition. Last evaluated: 2026-04-08. Review status: criteria provided, single submitter. Criteria: ACMG Guidelines, 2015. Collection method: clinical testing. Allele origin: germline.
Comment: The LMNA c.1556C>T variant is predicted to result in the amino acid substitution p.Thr519Ile. This variant has been reported in an individual with sudden cardiac arrest and mitral valve prolapse, although this individual also carried a SCN5A missense variant of uncertain significance (Mahajan et al. 2021. PubMed ID: 34317510). This variant has also been reported in a dyslipidemia cohort (Table S4, Dron et al. 2020. PubMed ID: 32041611). This variant is reported in 0.021% of alleles in individuals of African descent in gnomAD. At this time, the clinical significance of this variant is uncertain due to the absence of conclusive functional and genetic evidence.

Dasa
Classification: Uncertain significance. Last evaluated: 2026-03-02. Review status: criteria provided, single submitter. Criteria: DASA Assertion Criteria. Collection method: clinical testing. Allele origin: germline.
Comment: NM_170707.4(LMNA):c.1556C>T (p.Thr519Ile) is a missense variant that results in the substitution of threonine with isoleucine. This variant is rare in population databases. Computational prediction algorithms are consistent with a deleterious effect. The currently available literature and clinical evidence are not sufficient to establish a definitive association between this variant and the reported condition. Therefore, this variant is classified as a variant of uncertain significance.

Labcorp Genetics (formerly Invitae), Labcorp
Classification: Uncertain significance for Charcot-Marie-Tooth disease type 2. Last evaluated: 2026-01-07. Review status: criteria provided, single submitter. Criteria: Invitae Variant Classification Sherloc (09022015). Collection method: clinical testing. Allele origin: germline.
Comment: This sequence change replaces threonine, which is neutral and polar, with isoleucine, which is neutral and non-polar, at codon 519 of the LMNA protein (p.Thr519Ile). This variant is present in population databases (rs753988867, gnomAD 0.02%). This variant has not been reported in the literature in individuals affected with LMNA-related conditions. ClinVar contains an entry for this variant (Variation ID: 499025). Invitae Evidence Modeling of protein sequence and biophysical properties (such as structural, functional, and spatial information, amino acid conservation, physicochemical variation, residue mobility, and thermodynamic stability) indicates that this missense variant is expected to disrupt LMNA protein function with a positive predictive value of 95%. In summary, the available evidence is currently insufficient to determine the role of this variant in disease. Therefore, it has been classified as a Variant of Uncertain Significance.

Center for Advanced Laboratory Medicine, UC San Diego Health, University of California San Diego
Classification: Uncertain significance for Dilated cardiomyopathy. Last evaluated: 2024-02-12. Review status: criteria provided, single submitter. Criteria: ACMG Guidelines, 2015. Collection method: clinical testing. Allele origin: germline. Affected: yes. Observed: 1 variant allele.

Color Diagnostics, LLC DBA Color Health
Classification: Uncertain significance for Cardiomyopathy. Last evaluated: 2024-01-31. Review status: criteria provided, single submitter. Criteria: ACMG Guidelines, 2015. Collection method: clinical testing. Allele origin: germline.
Comment: This missense variant replaces threonine with isoleucine at codon 519 of the LMNA protein. Computational prediction tools indicate that this variant has a deleterious impact on protein structure and function. To our knowledge, functional studies have not been reported for this variant. This variant has been reported in one individual affected with sudden cardiac arrest (PMID: 34317510). This variant has been identified in 6/270480 chromosomes in the general population by the Genome Aggregation Database (gnomAD). The available evidence is insufficient to determine the role of this variant in disease conclusively. Therefore, this variant is classified as a Variant of Uncertain Significance.

Revvity Omics, Revvity
Classification: Uncertain significance. Last evaluated: 2022-03-11. Review status: criteria provided, single submitter. Criteria: ACMG Guidelines, 2015. Collection method: clinical testing. Allele origin: germline.

GeneDx
Classification: Uncertain significance. Last evaluated: 2020-08-20. Review status: criteria provided, single submitter. Criteria: GeneDx Variant Classification Process June 2021. Collection method: clinical testing. Allele origin: germline. Affected: yes.
Comment: Has not been previously published as pathogenic or benign to our knowledge; Reported in ClinVar but additional evidence is not available (ClinVar Variant ID #499025; Landrum et al., 2016); In silico analysis supports that this missense variant has a deleterious effect on protein structure/function; This variant is associated with the following publications: (PMID: 32041611)

Eurofins Ntd Llc (ga)
Classification: Uncertain significance. Last evaluated: 2016-12-19. Review status: criteria provided, single submitter. Criteria: EGL Classification Definitions 2015. Collection method: clinical testing. Allele origin: germline. Observed: 1 variant allele, 1 heterozygote.

Literature cited by the submitters: PubMed 34317510 (cited by Color Diagnostics, LLC DBA Color Health).

NM_170707.4(LMNA):c.1556C>T (p.Thr519Ile)

Gene: LMNA (lamin A/C; plus strand). Cytogenetic location: 1q22.
Variant type: single nucleotide variant.
Coding change: c.1556C>T on transcript NM_170707.4 (MANE Select); coding-DNA position 1556, C replaced by T.
Protein change: p.Thr519Ile; replaces threonine 519 with isoleucine.
Molecular consequence: missense variant.
Genome position (GRCh38, 1-based): chr1:156,137,180, C>T. VCF-style: chr1-156137180-C-T. GRCh37 (hg19) VCF-style: chr1-156106971-C-T.
Other names: c.1220C>T, p.Thr407Ile (NM_001257374.3); c.1313C>T, p.Thr438Ile (NM_001282624.2); c.1556C>T, p.Thr519Ile (NM_001282625.2, NM_001282626.2, NM_005572.4 and 1 more transcripts); c.1556C>T (NM_170707.3); short protein forms T519I, T407I, T438I.
Identifiers: ClinVar variation 499025 (VCV000499025.25), dbSNP rs753988867, ClinGen allele CA050639.
Genomic context (GRCh38, chr1:156,137,180, plus strand): 5'-CTGCAGGAGCTGGGGCCACCCACAGCCCCCCTACCGACCTGGTGTGGAAGGCACAGAACA[C>T]CTGGGGCTGCGGGAACAGCCTGCGTACGGCTCTCATCAACTCCACTGGGGAAGTAAGTAG-3'
Protein context (NP_733821.1, residues 509-529): PTDLVWKAQN[Thr519Ile]WGCGNSLRTA